The following is an entry in ClinVar:

NM_001370259.2(MEN1):c.849G>A (p.Leu283=)

Gene: MEN1 (menin 1; minus strand). Cytogenetic location: 11q13.1.
Variant type: single nucleotide variant.
Coding change: c.849G>A on transcript NM_001370259.2 (MANE Select); coding-DNA position 849, G replaced by A.
Protein change: p.Leu283=; no amino-acid change (leucine 283 retained).
Molecular consequence: synonymous variant.
Genome position (GRCh38, 1-based): chr11:64,807,074, C>T on the plus strand (G>A on the coding strand, the complement: MEN1 is on the minus strand). VCF-style: chr11-64807074-C-T. GRCh37 (hg19) VCF-style: chr11-64574546-C-T.
Other names: c.864G>A, p.Leu288= (NM_130802.3, NM_130803.3, NM_130804.3 and 3 more transcripts); c.849G>A, p.Leu283= (NM_001370251.2, NM_001370260.2, NM_001370261.2 and 1 more transcripts); c.744G>A, p.Leu248= (NM_001370262.2, NM_001370263.2).
Identifiers: ClinVar variation 822512 (VCV000822512.14), dbSNP rs1592646641, ClinGen allele CA474983600.

ClinVar aggregate classification (germline): Benign/Likely benign. Review status: criteria provided, multiple submitters, no conflicts (2 of 4 stars). 3 submissions from 3 submitters: Benign (1); Likely benign (2). Last evaluated 2025-10-28.

Conditions:
Hereditary cancer-predisposing syndrome. Also called: Hereditary Cancer Syndrome; Neoplastic Syndromes, Hereditary; Hereditary neoplastic syndrome; Tumor predisposition. Identifiers: Orphanet 140162, MedGen C0027672, MeSH D009386, MONDO:0015356.
Multiple endocrine neoplasia, type 1 (MEN1). Also called: MEN I; WERMER SYNDROME; Endocrine adenomatosis multiple; MEN 1; MEA I. Identifiers: Orphanet 652, MedGen C0025267, MeSH D018761, MONDO:0007540, OMIM 131100.

Allele frequency attached by ClinVar (database versions not stated): gnomAD exomes below 0.00001; TOPMed below 0.00001; gnomAD 0.00001.
gnomAD v4.1: 4 of 1,613,938 alleles (0.00025%); highest among the groups gnomAD compares: African/African-American, 0.0053%; no homozygotes.

Submissions (3):

Labcorp Genetics (formerly Invitae), Labcorp
Classification: Likely benign for Multiple endocrine neoplasia, type 1. Last evaluated: 2025-10-28. Review status: criteria provided, single submitter. Criteria: Invitae Variant Classification Sherloc (09022015). Collection method: clinical testing. Allele origin: germline.

Myriad Genetics, Inc.
Classification: Benign for Multiple endocrine neoplasia, type 1. Last evaluated: 2024-11-04. Review status: criteria provided, single submitter. Criteria: Myriad Autosomal Dominant, Autosomal Recessive and X-Linked Classification Criteria (2023). Collection method: clinical testing. Allele origin: unknown.
Comment: This variant is considered benign. This variant is a silent/synonymous amino acid change and it is not expected to impact splicing.

Ambry Genetics
Classification: Likely benign for Hereditary cancer-predisposing syndrome. Last evaluated: 2018-03-15. Review status: criteria provided, single submitter. Criteria: Ambry Variant Classification Scheme 2023. Collection method: clinical testing. Allele origin: germline.